The following is an entry in ClinVar:

NM_006231.4(POLE):c.5730_5751dup (p.Asp1918fs)

Gene: POLE (DNA polymerase epsilon, catalytic subunit; minus strand). Cytogenetic location: 12q24.33.
Variant type: Duplication.
Coding change: c.5730_5751dup on transcript NM_006231.4 (MANE Select); coding-DNA positions 5730 to 5751, 22 bases duplicated (CTGGGAATTTCTTCTCTGGATG).
Protein change: p.Asp1918fs; shifts the reading frame from aspartic acid 1918.
Molecular consequence: frameshift variant.
Genome position (GRCh38, 1-based): chr12:132,635,952-132,635,973, CATCCAGAGAAGAAATTCCCAG duplicated on the plus strand (CTGGGAATTTCTTCTCTGGATG on the coding strand, the reverse complement: POLE is on the minus strand); duplicating any 22 consecutive bases within chr12:132,635,952-132,635,977 gives the same sequence; the c. name uses the placement nearest the transcript's 3' end. VCF-style (leftmost placement, unchanged base first): chr12-132635951-C-CCATCCAGAGAAGAAATTCCCAG. GRCh37 (hg19) VCF-style: chr12-133212537-C-CCATCCAGAGAAGAAATTCCCAG.
Other names: short protein forms D1918fs.
Identifiers: ClinVar variation 1399945 (VCV001399945.8), dbSNP rs2138485893, ClinGen allele CA2573148320.

ClinVar aggregate classification (germline): Pathogenic (1 of 4 stars; one submission).

Submission:

Labcorp Genetics (formerly Invitae), Labcorp
Classification: Pathogenic. Last evaluated: 2022-05-12. Review status: criteria provided, single submitter. Criteria: Invitae Variant Classification Sherloc (09022015). Collection method: clinical testing. Allele origin: germline.
Comment: For these reasons, this variant has been classified as Pathogenic. This variant has not been reported in the literature in individuals affected with POLE-related conditions. This variant is not present in population databases (gnomAD no frequency). This sequence change creates a premature translational stop signal (p.Asp1918Leufs*11) in the POLE gene. It is expected to result in an absent or disrupted protein product. Loss-of-function variants in POLE are known to be pathogenic (PMID: 23230001, 25948378, 30503519).

Literature cited by the submitters: PubMed 23230001; PubMed 25948378; PubMed 30503519.